The following is an entry in ClinVar:

NM_000238.4(KCNH2):c.910_915del (p.Ser304_Thr305del)

Gene: KCNH2 (potassium voltage-gated channel subfamily H member 2; minus strand). Cytogenetic location: 7q36.1.
Variant type: Deletion.
Coding change: c.910_915del on transcript NM_000238.4 (MANE Select); coding-DNA positions 910 to 915, 6 bases deleted (AGCACC; older notation c.910_915delAGCACC).
Protein change: p.Ser304_Thr305del.
Molecular consequence: inframe deletion. On other transcripts: non-coding transcript variant (1).
Genome position (GRCh38, 1-based): chr7:150,958,060-150,958,065, GGTGCT deleted on the plus strand (AGCACC on the coding strand, the reverse complement: KCNH2 is on the minus strand); deleting any 6 consecutive bases within chr7:150,958,060-150,958,067 gives the same sequence; the c. name uses the placement nearest the transcript's 3' end. VCF-style (leftmost placement, unchanged base first): chr7-150958059-CGGTGCT-C. GRCh37 (hg19) VCF-style: chr7-150655147-CGGTGCT-C.
Other names: c.622_627del, p.Ser208_Thr209del (NM_001406753.1, NM_001406756.1); c.733_738del, p.Ser245_Thr246del (NM_001406755.1); c.610_615del, p.Ser204_Thr205del (NM_001406757.1); c.910_915del, p.Ser304_Thr305del (NM_172056.3).
Identifiers: ClinVar variation 3015190 (VCV003015190.3), dbSNP rs2486087667, ClinGen allele CA2685607082.
Genomic context (GRCh38, chr7:150,958,059, plus strand): 5'-GCAAGCCTGGCAGCAGAAGAAGCGTGGGCTGGGGCGGAACGGGTCCCGCGGCGCCCTCAC[CGGTGCT>C]GGCGTGGCGCGGTGGCGGGGGCAGCACCCCGGCGCGCATGGCCTCGATGTCGTCGGCCGA-3'

ClinVar aggregate classification (germline): Uncertain significance (1 of 4 stars; one submission).

Conditions:
Long QT syndrome (LQTS). Identifiers: MedGen C0023976, MeSH D008133, MONDO:0002442. Disease mechanism: loss of function. Inheritance: Various modes of inheritance.

Submission:

Labcorp Genetics (formerly Invitae), Labcorp
Classification: Uncertain significance for Long QT syndrome. Last evaluated: 2025-10-15. Review status: criteria provided, single submitter. Criteria: Invitae Variant Classification Sherloc (09022015). Collection method: clinical testing. Allele origin: germline.
Comment: This variant, c.910_915del, results in the deletion of 2 amino acid(s) of the KCNH2 protein (p.Ser304_Thr305del), but otherwise preserves the integrity of the reading frame. This variant is not present in population databases (gnomAD no frequency). This variant has not been reported in the literature in individuals affected with KCNH2-related conditions. ClinVar contains an entry for this variant (Variation ID: 3015190). Experimental studies and prediction algorithms are not available or were not evaluated, and the functional significance of this variant is currently unknown. In summary, the available evidence is currently insufficient to determine the role of this variant in disease. Therefore, it has been classified as a Variant of Uncertain Significance.